The following is an entry in ClinVar:

ClinVar aggregate classification (germline): Uncertain significance (1 of 4 stars; one submission).

Conditions:
ATP6AP2-related disorder. Identifiers: MedGen CN294805, MONDO:0100146.

Submission:

PreventionGenetics, part of Exact Sciences
Classification: Uncertain significance for ATP6AP2-related condition. Last evaluated: 2025-02-24. Review status: criteria provided, single submitter. Criteria: ACMG Guidelines, 2015. Collection method: clinical testing. Allele origin: germline.
Comment: The ATP6AP2 c.664A>G variant is predicted to result in the amino acid substitution p.Ile222Val. To our knowledge, this variant has not been reported in the literature or in a large population database (gnomAD), indicating this variant is rare. At this time, the clinical significance of this variant is uncertain due to the absence of conclusive functional and genetic evidence.

NM_005765.3(ATP6AP2):c.664A>G (p.Ile222Val)

Gene: ATP6AP2 (ATPase H+ transporting accessory protein 2; plus strand). Cytogenetic location: Xp11.4.
Variant type: single nucleotide variant.
Coding change: c.664A>G on transcript NM_005765.3 (MANE Select); coding-DNA position 664, A replaced by G.
Protein change: p.Ile222Val; replaces isoleucine 222 with valine.
Molecular consequence: missense variant.
Genome position (GRCh38, 1-based): chrX:40,599,667, A>G. VCF-style: chrX-40599667-A-G. GRCh37 (hg19) VCF-style: chrX-40458919-A-G.
Other names: short protein forms I222V.
Identifiers: ClinVar variation 4986246 (VCV004986246.1).